The following is an entry in ClinVar:

ClinVar aggregate classification (germline): Pathogenic/Likely pathogenic. Review status: criteria provided, multiple submitters, no conflicts (2 of 4 stars). 2 submissions from 2 submitters: Pathogenic (1); Likely pathogenic (1). Last evaluated 2024-06-22.

Conditions:
KCNK4-related disorder. Also called: KCNK4-related condition.

Submissions (2):

GeneDx
Classification: Pathogenic. Last evaluated: 2024-06-22. Review status: criteria provided, single submitter. Criteria: GeneDx Variant Classification Process June 2021. Collection method: clinical testing. Allele origin: germline. Affected: yes.
Comment: In silico analysis supports that this missense variant has a deleterious effect on protein structure/function; Not observed at significant frequency in large population cohorts (gnomAD); This variant is associated with the following publications: (PMID: 33057194, Garg2023[CaseReport], 35982159, 36683851)

Blueprint Genetics
Classification: Likely pathogenic for KCNK4-related disorders. Last evaluated: 2021-12-10. Review status: criteria provided, single submitter. Criteria: ACMG Guidelines, 2015. Collection method: clinical testing. Allele origin: de novo. Affected: yes. Observed: 1 variant allele.

NM_033310.3(KCNK4):c.416G>A (p.Gly139Glu)

Genes: KCNK4 (potassium two pore domain channel subfamily K member 4; plus strand), KCNK4-CATSPERZ (KCNK4-CATSPERZ readthrough (NMD candidate); plus strand). Cytogenetic location: 11q13.1.
Variant type: single nucleotide variant.
Coding change: c.416G>A on transcript NM_033310.3 (MANE Select); coding-DNA position 416, G replaced by A.
Protein change: p.Gly139Glu; replaces glycine 139 with glutamic acid.
Molecular consequence: missense variant. On other transcripts: non-coding transcript variant (3).
Genome position (GRCh38, 1-based): chr11:64,297,221, G>A. VCF-style: chr11-64297221-G-A. GRCh37 (hg19) VCF-style: chr11-64064693-G-A.
Other names: c.416G>A, p.Gly139Glu (NM_001317090.2); short protein forms G139E.
Identifiers: ClinVar variation 3391487 (VCV003391487.2).
Genomic context (GRCh38, chr11:64,297,221, plus strand): 5'-TCTGCATCTTTTATGCGCTGGTGGGGATTCCGCTGTTTGGGATCCTACTGGCAGGGGTCG[G>A]GGACCGGCTGGGCTCCTCCCTGCGCCATGGCATCGGTCACATTGAAGCCATCTTCTTGGT-3'
Protein context (NP_201567.1, residues 129-149): PLFGILLAGV[Gly139Glu]DRLGSSLRHG